The following is an entry in ClinVar:

ClinVar aggregate classification (germline): Uncertain significance. Review status: criteria provided, multiple submitters, no conflicts (2 of 4 stars). 3 submissions from 3 submitters: Uncertain significance (3). Last evaluated 2025-05-08.

Conditions:
Cutis laxa, autosomal recessive, type 1B (ARCL1B). Also called: CUTIS LAXA, AUTOSOMAL RECESSIVE, TYPE IB; EFEMP2-Related Cutis Laxa. Identifiers: Orphanet 90349, MedGen C3280798, MONDO:0013754, OMIM 614437. Disease mechanism: loss of function.
Cardiovascular phenotype. Identifiers: MedGen CN230736.

Allele frequency attached by ClinVar (database versions not stated): gnomAD 0.00001; ExAC 0.00002; 1000 Genomes Project 0.00020; 1000 Genomes Project 30x 0.00031.
gnomAD v4.1: 27 of 1,614,082 alleles (0.0017%); highest among the groups gnomAD compares: Admixed American, 0.005%; no homozygotes.

Submissions (3):

Ambry Genetics
Classification: Uncertain significance for Cardiovascular phenotype. Last evaluated: 2025-05-08. Review status: criteria provided, single submitter. Criteria: Ambry Variant Classification Scheme 2023. Collection method: clinical testing. Allele origin: germline.
Comment: The p.V395I variant (also known as c.1183G>A), located in coding exon 10 of the EFEMP2 gene, results from a G to A substitution at nucleotide position 1183. The valine at codon 395 is replaced by isoleucine, an amino acid with highly similar properties. This amino acid position is not well conserved in available vertebrate species, and isoleucine is the reference amino acid in other vertebrate species. In addition, this alteration is predicted to be tolerated by in silico analysis. Since supporting evidence is limited at this time, the clinical significance of this alteration remains unclear.

Labcorp Genetics (formerly Invitae), Labcorp
Classification: Uncertain significance for Cutis laxa, autosomal recessive, type 1B. Last evaluated: 2022-02-23. Review status: criteria provided, single submitter. Criteria: Invitae Variant Classification Sherloc (09022015). Collection method: clinical testing. Allele origin: germline.
Comment: This sequence change replaces valine, which is neutral and non-polar, with isoleucine, which is neutral and non-polar, at codon 395 of the EFEMP2 protein (p.Val395Ile). This variant is present in population databases (rs543567156, gnomAD 0.003%). This variant has not been reported in the literature in individuals affected with EFEMP2-related conditions. ClinVar contains an entry for this variant (Variation ID: 540027). Algorithms developed to predict the effect of missense changes on protein structure and function output the following: SIFT: "Deleterious"; PolyPhen-2: "Benign"; Align-GVGD: "Class C25". The isoleucine amino acid residue is found in multiple mammalian species, which suggests that this missense change does not adversely affect protein function. In summary, the available evidence is currently insufficient to determine the role of this variant in disease. Therefore, it has been classified as a Variant of Uncertain Significance.

Fulgent Genetics
Classification: Uncertain significance for Cutis laxa, autosomal recessive, type 1B. Last evaluated: 2018-10-31. Review status: criteria provided, single submitter. Criteria: ACMG Guidelines, 2015. Collection method: clinical testing. Allele origin: unknown.

Literature cited by the submitters: PubMed 35982159 (cited by Ambry Genetics).

NM_016938.5(EFEMP2):c.1183G>A (p.Val395Ile)

Genes: EFEMP2 (EGF-like fibulin extracellular matrix protein 2; minus strand), MUS81 (MUS81 structure-specific endonuclease subunit; plus strand). Cytogenetic location: 11q13.1.
Variant type: single nucleotide variant.
Coding change: c.1183G>A on transcript NM_016938.5 (MANE Select); coding-DNA position 1183, G replaced by A.
Protein change: p.Val395Ile; replaces valine 395 with isoleucine.
Molecular consequence: missense variant. On other transcripts: non-coding transcript variant (1).
Genome position (GRCh38, 1-based): chr11:65,867,067, C>T on the plus strand (G>A on the coding strand, the complement: EFEMP2 is on the minus strand). VCF-style: chr11-65867067-C-T. GRCh37 (hg19) VCF-style: chr11-65634538-C-T.
Other names: short protein forms V395I.
Identifiers: ClinVar variation 540027 (VCV000540027.10), dbSNP rs543567156, ClinGen allele CA6110375.